The following is an entry in ClinVar:

NM_000059.4(BRCA2):c.2543A>G (p.Lys848Arg)

Gene: BRCA2 (BRCA2 DNA repair associated; plus strand). Cytogenetic location: 13q13.1.
Variant type: single nucleotide variant.
Coding change: c.2543A>G on transcript NM_000059.4 (MANE Select); coding-DNA position 2543, A replaced by G.
Protein change: p.Lys848Arg; replaces lysine 848 with arginine.
Molecular consequence: missense variant.
Genome position (GRCh38, 1-based): chr13:32,336,898, A>G. VCF-style: chr13-32336898-A-G. GRCh37 (hg19) VCF-style: chr13-32911035-A-G.
Other names: short protein forms K848R.
Identifiers: ClinVar variation 483047 (VCV000483047.17), dbSNP rs1555282739, ClinGen allele CA387772508.
Genomic context (GRCh38, chr13:32,336,898, plus strand): 5'-ATAAAAACGTTGAGCTGTTGCCACCTGAAAAATACATGAGAGTAGCATCACCTTCAAGAA[A>G]GGTACAATTCAACCAAAACACAAATCTAAGAGTAATCCAAAAAAATCAAGAAGAAACTAC-3'
Protein context (NP_000050.3, residues 838-858): KYMRVASPSR[Lys848Arg]VQFNQNTNLR

ClinVar aggregate classification (germline): Conflicting classifications of pathogenicity. Review status: criteria provided, conflicting classifications (1 of 4 stars). 5 submissions from 5 submitters: Uncertain significance (4); Likely benign (1). Last evaluated 2025-08-18.

Conditions:
Hereditary breast ovarian cancer syndrome. Also called: Hereditary breast and ovarian cancer syndrome; Hereditary breast and ovarian cancer; Hereditary breast and ovarian cancer syndrome (HBOC); Breast and ovarian cancer; Hereditary breast and/or ovarian cancer syndrome; BRCA1- and BRCA2-Associated Hereditary Breast and Ovarian Cancer. Identifiers: Orphanet 145, MedGen C0677776, MeSH D061325, MONDO:0003582. Disease mechanism: loss of function.
Hereditary cancer-predisposing syndrome. Also called: Neoplastic Syndromes, Hereditary; Tumor predisposition; Hereditary Cancer Syndrome; Hereditary neoplastic syndrome. Identifiers: Orphanet 140162, MedGen C0027672, MeSH D009386, MONDO:0015356.

Allele frequency attached by ClinVar (database versions not stated): TOPMed below 0.00001.

Submissions (5):

Labcorp Genetics (formerly Invitae), Labcorp
Classification: Uncertain significance for Hereditary breast ovarian cancer syndrome. Last evaluated: 2025-08-18. Review status: criteria provided, single submitter. Criteria: Invitae Variant Classification Sherloc (09022015). Collection method: clinical testing. Allele origin: germline.
Comment: This sequence change replaces lysine, which is basic and polar, with arginine, which is basic and polar, at codon 848 of the BRCA2 protein (p.Lys848Arg). This variant is not present in population databases (gnomAD no frequency). This variant has not been reported in the literature in individuals affected with BRCA2-related conditions. ClinVar contains an entry for this variant (Variation ID: 483047). Invitae Evidence Modeling of protein sequence and biophysical properties (such as structural, functional, and spatial information, amino acid conservation, physicochemical variation, residue mobility, and thermodynamic stability) indicates that this missense variant is not expected to disrupt BRCA2 protein function with a negative predictive value of 95%. In summary, the available evidence is currently insufficient to determine the role of this variant in disease. Therefore, it has been classified as a Variant of Uncertain Significance.

Quest Diagnostics Nichols Institute San Juan Capistrano
Classification: Uncertain significance. Last evaluated: 2025-02-18. Review status: criteria provided, single submitter. Criteria: Quest Diagnostics criteria. Collection method: clinical testing. Allele origin: unknown.
Comment: The BRCA2 c.2543A>G (p.Lys848Arg) variant has been reported in the published literature in an individual undergoing multigene panel testing (PMID: 31853058 (2020)). This variant has also been reported to be located in a region of the BRCA2 gene that is tolerant to missense sequence changes (PMID: 31911673 (2020)). This variant has not been reported in large, multi-ethnic general populations (Genome Aggregation Database). Analysis of this variant using bioinformatics tools for the prediction of the effect of amino acid changes on protein structure and function yielded predictions that this variant is benign. Based on the available information, we are unable to determine the clinical significance of this variant.

University of Washington Department of Laboratory Medicine, University of Washington
Classification: Likely benign for Hereditary cancer-predisposing syndrome. Last evaluated: 2023-03-23. Review status: criteria provided, single submitter. Criteria: Dines et al. (Genet Med. 2020). Collection method: curation. Allele origin: germline.
Comment: Missense variant in a coldspot region where missense variants are very unlikely to be pathogenic (PMID:31911673).

BRCA2 exon 11 coldspot. Reclassification based on statistical prior probability.

Ambry Genetics
Classification: Uncertain significance for Hereditary cancer-predisposing syndrome. Last evaluated: 2022-10-03. Review status: criteria provided, single submitter. Criteria: Ambry Variant Classification Scheme 2023. Collection method: clinical testing. Allele origin: germline.
Comment: The p.K848R variant (also known as c.2543A>G), located in coding exon 10 of the BRCA2 gene, results from an A to G substitution at nucleotide position 2543. The lysine at codon 848 is replaced by arginine, an amino acid with highly similar properties. This amino acid position is not well conserved in available vertebrate species. In addition, this alteration is predicted to be tolerated by in silico analysis. Since supporting evidence is limited at this time, the clinical significance of this alteration remains unclear.

Clinical Genetics Laboratory, Skane University Hospital Lund
Classification: Uncertain significance. Last evaluated: 2022-05-27. Review status: criteria provided, single submitter. Criteria: ACMG Guidelines, 2015. Collection method: clinical testing. Allele origin: germline. Affected: yes.

Literature cited by the submitters: PubMed 31911673 (cited by Quest Diagnostics Nichols Institute San Juan Capistrano); PubMed 31853058 (cited by Quest Diagnostics Nichols Institute San Juan Capistrano).